The following is an entry in ClinVar:

NM_001077365.2(POMT1):c.1365+10C>T

Gene: POMT1 (protein O-mannosyltransferase 1; plus strand). Cytogenetic location: 9q34.13.
Variant type: single nucleotide variant.
Coding change: c.1365+10C>T on transcript NM_001077365.2 (MANE Select); 10 bases into the intron after coding-DNA position 1365, C replaced by T.
Molecular consequence: intron variant.
Genome position (GRCh38, 1-based): chr9:131,518,547, C>T. VCF-style: chr9-131518547-C-T. GRCh37 (hg19) VCF-style: chr9-134393934-C-T.
Other names: c.1269+10C>T (NM_001353198.2, NM_001353197.2); c.1431+10C>T (NM_001353193.2, NM_007171.4); c.1365+10C>T (NM_001136113.2, NM_001374690.1); c.1203+10C>T (NM_001353194.2, NM_001077366.2); c.1014+10C>T (NM_001374691.1, NM_001353195.2, NM_001374692.1 and 2 more transcripts); c.1275+10C>T (NM_001353196.2); c.975+10C>T (NM_001374695.1); c.1353+10C>T (NM_001374689.1); and 2 more.
Identifiers: ClinVar variation 772046 (VCV000772046.13), dbSNP rs200089530, ClinGen allele CA5293667.

ClinVar aggregate classification (germline): Likely benign. Review status: criteria provided, single submitter (1 of 4 stars). 2 submissions from 2 submitters: Likely benign (1). 1 of the submissions does not count toward it. Last evaluated 2026-01-25.

Conditions:
Muscular dystrophy-dystroglycanopathy (congenital with impaired intellectual development), type B, 1. Also called: Muscular dystrophy-dystroglycanopathy (congenital with intellectual disability), type B1; MUSCULAR DYSTROPHY, CONGENITAL, POMT1-RELATED. Identifiers: MedGen C5436962, MONDO:0013159, OMIM 613155.
Autosomal recessive limb-girdle muscular dystrophy type 2K. Also called: MUSCULAR DYSTROPHY, LIMB-GIRDLE, TYPE 2K; MUSCULAR DYSTROPHY-DYSTROGLYCANOPATHY (LIMB-GIRDLE), TYPE C, 1. Identifiers: Orphanet 86812, MedGen C1836373, MONDO:0012248, OMIM 609308.
Walker-Warburg congenital muscular dystrophy. Also called: Muscular dystrophy-dystroglycanopathy, type A; Walker-Warburg syndrome. Identifiers: Orphanet 899, MedGen C0265221, MONDO:0000171.
POMT1-related disorder. Also called: POMT1-related condition; POMT1-related disorders.

Allele frequency attached by ClinVar (database versions not stated): gnomAD exomes 0.00007 and 0.00001; 1000 Genomes Project 0.00020; ExAC 0.00007; 1000 Genomes Project 30x 0.00031; TOPMed 0.00003.
gnomAD v4.1: 21 of 1,609,974 alleles (0.0013%); highest among the groups gnomAD compares: East Asian, 0.047%; 1 homozygote.

Submissions (2):

Labcorp Genetics (formerly Invitae), Labcorp
Classification: Likely benign for Muscular dystrophy-dystroglycanopathy (congenital with impaired intellectual development), type B, 1; Walker-Warburg congenital muscular dystrophy; Autosomal recessive limb-girdle muscular dystrophy type 2K. Last evaluated: 2026-01-25. Review status: criteria provided, single submitter. Criteria: Invitae Variant Classification Sherloc (09022015). Collection method: clinical testing. Allele origin: germline.

PreventionGenetics, part of Exact Sciences
Classification: Likely benign for POMT1-related condition. Last evaluated: 2019-04-01. Review status: no assertion criteria provided. Collection method: clinical testing. Allele origin: germline. Not counted in ClinVar's aggregate classification.
Comment: This variant is classified as likely benign based on ACMG/AMP sequence variant interpretation guidelines (Richards et al. 2015 PMID: 25741868, with internal and published modifications).